The following is an entry in ClinVar:

ClinVar aggregate classification (germline): Likely benign (1 of 4 stars; one submission).

Allele frequency attached by ClinVar (database versions not stated): TOPMed 0.00002; gnomAD 0.00001.
gnomAD v4.1: 3 of 1,594,036 alleles (0.00019%); highest among the groups gnomAD compares: Non-Finnish European, 0.00026%; no homozygotes.

Submission:

Laboratory for Molecular Medicine, Mass General Brigham Personalized Medicine
Classification: Likely benign. Last evaluated: 2018-11-04. Review status: criteria provided, single submitter. Criteria: LMM Criteria. Collection method: clinical testing. Allele origin: germline. Observed: 1 variant allele.
Comment: The p.Asn294Asn variant in ESPN is classified as likely benign because it does n ot alter an amino acid residue, it is not located within the splice consensus se quence, and splice prediction algorithms do not predict a newly created splice s ite. ACMG/AMP Criteria applied: BP4, BP7, PM2.

NM_031475.3(ESPN):c.882C>T (p.Asn294=)

Gene: ESPN (espin; plus strand). Cytogenetic location: 1p36.31.
Variant type: single nucleotide variant.
Coding change: c.882C>T on transcript NM_031475.3 (MANE Select); coding-DNA position 882, C replaced by T.
Protein change: p.Asn294=; no amino-acid change (asparagine 294 retained).
Molecular consequence: synonymous variant.
Genome position (GRCh38, 1-based): chr1:6,440,957, C>T. VCF-style: chr1-6440957-C-T. GRCh37 (hg19) VCF-style: chr1-6501017-C-T.
Other names: c.882C>T, p.Asn294= (NM_001367473.1, NM_001367474.1).
Identifiers: ClinVar variation 666695 (VCV000666695.4), dbSNP rs1023507079, ClinGen allele CA17203425.